The following is an entry in ClinVar:

ClinVar aggregate classification (germline): Uncertain significance (1 of 4 stars; one submission).

Submission:

Labcorp Genetics (formerly Invitae), Labcorp
Classification: Uncertain significance. Last evaluated: 2025-06-17. Review status: criteria provided, single submitter. Criteria: Invitae Variant Classification Sherloc (09022015). Collection method: clinical testing. Allele origin: germline.
Comment: This variant, c.1647_1682del, results in the deletion of 12 amino acid(s) of the SON protein (p.Val553_Pro564del), but otherwise preserves the integrity of the reading frame. This variant is present in population databases (no rsID available, gnomAD 0.0009%). This variant has not been reported in the literature in individuals affected with SON-related conditions. ClinVar contains an entry for this variant (Variation ID: 2415547). Experimental studies and prediction algorithms are not available or were not evaluated, and the functional significance of this variant is currently unknown. In summary, the available evidence is currently insufficient to determine the role of this variant in disease. Therefore, it has been classified as a Variant of Uncertain Significance.

NM_138927.4(SON):c.1647_1682del (p.Val553_Pro564del)

Gene: SON (SON DNA and RNA binding protein; plus strand). Cytogenetic location: 21q22.11.
Variant type: Deletion.
Coding change: c.1647_1682del on transcript NM_138927.4 (MANE Select); coding-DNA positions 1647 to 1682, 36 bases deleted.
Protein change: p.Val553_Pro564del.
Molecular consequence: inframe deletion. On other transcripts: inframe indel (3), non-coding transcript variant (1), intron variant (1).
Genome position (GRCh38, 1-based): chr21:33,550,878-33,550,913, 36 bases deleted; deleting any 36 consecutive bases within chr21:33,550,866-33,550,913 gives the same sequence; the c. name uses the placement nearest the transcript's 3' end. GRCh37 (hg19): chr21:34,923,184-34,923,219.
Other names: c.1647_1682del, p.Val553_Pro564del (NM_001291411.2, NM_032195.3); c.1647_1682del36, p.Val553_Pro564del (NM_001412133.1, NM_058183.2, NM_138926.1); c.244+4499_244+4534del (NM_001291412.3).
Identifiers: ClinVar variation 2415547 (VCV002415547.6), dbSNP rs1176260951, ClinGen allele CA638053204.
Genomic context (GRCh38, chr21:33,550,865, plus strand): 5'-CTGGGCATCCTGAGGTGACAACGGCAACAGGGTTGCTGGGGCAGCCTGAGGCAACGATGG[TGCTGGAGTTGCCAGGACAGCCAGTGGCAACGACAGC>T]GCTGGAGTTGCCGGGGCAGCCTTCGGTGACTGGGGTGCCAGAGTTGCCAGGGCTGCCTTC-3'